The following is an entry in ClinVar:

ClinVar aggregate classification (germline): Uncertain significance (1 of 4 stars; one submission).

Submission:

CeGaT Center for Human Genetics Tuebingen
Classification: Uncertain significance. Last evaluated: 2025-08-01. Review status: criteria provided, single submitter. Criteria: CeGaT Center For Human Genetics Tuebingen Variant Classification Criteria Version 2. Collection method: clinical testing. Allele origin: germline. Affected: yes. Observed: 1 variant allele.
Comment: SYNE1: PM2, PVS1:Moderate

NM_182961.4(SYNE1):c.19693-2A>G

Gene: SYNE1 (spectrin repeat containing nuclear envelope protein 1; minus strand). Cytogenetic location: 6q25.2.
Variant type: single nucleotide variant.
Coding change: c.19693-2A>G on transcript NM_182961.4 (MANE Select); the canonical splice acceptor site of the intron before coding-DNA position 19693, A replaced by G.
Molecular consequence: splice acceptor variant.
Genome position (GRCh38, 1-based): chr6:152,242,442, T>C on the plus strand (A>G on the coding strand, the complement: SYNE1 is on the minus strand). VCF-style: chr6-152242442-T-C. GRCh37 (hg19) VCF-style: chr6-152563577-T-C.
Other names: c.19480-2A>G (NM_033071.5).
Identifiers: ClinVar variation 4085617 (VCV004085617.8).